The following is an entry in ClinVar:

ClinVar aggregate classification (germline): Likely pathogenic (1 of 4 stars; one submission).

Conditions:
Congenital myasthenic syndrome (CMS). Also called: Congenital Myasthenic Syndromes. Identifiers: Orphanet 590, MedGen C0751882, MeSH D020294, MONDO:0018940.

Submission:

Natera, Inc.
Classification: Likely pathogenic for Congenital myasthenic syndrome. Last evaluated: 2025-12-04. Review status: criteria provided, single submitter. Criteria: Natera Variant Classification Schema (03/2026). Collection method: clinical testing. Allele origin: germline.
Comment: The c.1077_1081del variant in RAPSN is a frameshift variant predicted to elongate the protein beyond the termination codon. This variant is expected to result in nonsense mediated decay, truncation, or a dysfunctional protein product. This variant is rare in the general population with a frequency below the threshold expected for the associated phenotype(s). Given the available evidence, this variant is classified as Likely Pathogenic.

NM_005055.5(RAPSN):c.1077_1081del (p.Glu360fs)

Gene: RAPSN (receptor associated protein of the synapse; minus strand). Cytogenetic location: 11p11.2.
Variant type: Deletion.
Coding change: c.1077_1081del on transcript NM_005055.5 (MANE Select); coding-DNA positions 1077 to 1081, 5 bases deleted (GGAGC; older notation c.1077_1081delGGAGC).
Protein change: p.Glu360fs; shifts the reading frame from glutamic acid 360.
Molecular consequence: frameshift variant. On other transcripts: intron variant (3).
Genome position (GRCh38, 1-based): chr11:47,438,817-47,438,821, GCTCC deleted on the plus strand (GGAGC on the coding strand, the reverse complement: RAPSN is on the minus strand); deleting any 5 consecutive bases within chr11:47,438,817-47,438,822 gives the same sequence; the c. name uses the placement nearest the transcript's 3' end. VCF-style (leftmost placement, unchanged base first): chr11-47438816-AGCTCC-A. GRCh37 (hg19) VCF-style: chr11-47460367-AGCTCC-A.
Other names: c.1213_1217del, p.Gly405fs (NM_001440490.1); c.1162_1166del, p.Gly388fs (NM_001440491.1); c.1077_1081del, p.Glu360fs (NM_001440492.1); c.880_884del, p.Gly294fs (NM_001440493.1); c.1023_1027del, p.Glu342fs (NM_001440495.1); c.954_958del, p.Glu319fs (NM_001440497.1, NM_001440498.1); c.918_922del, p.Glu307fs (NM_001440499.1); c.900_904del, p.Glu301fs (NM_001440500.1, NM_032645.5); and 6 more; short protein forms E247fs, E266fs, E289fs, E301fs, E307fs, E319fs, E342fs, E360fs.
Identifiers: ClinVar variation 4815404 (VCV004815404.1).